The following is an entry in ClinVar:

NM_000548.5(TSC2):c.5336A>C (p.Gln1779Pro)

Gene: TSC2 (TSC complex subunit 2; plus strand). Cytogenetic location: 16p13.3.
Variant type: single nucleotide variant.
Coding change: c.5336A>C on transcript NM_000548.5 (MANE Select); coding-DNA position 5336, A replaced by C.
Protein change: p.Gln1779Pro; replaces glutamine 1779 with proline.
Molecular consequence: missense variant. On other transcripts: non-coding transcript variant (5).
Genome position (GRCh38, 1-based): chr16:2,088,522, A>C. VCF-style: chr16-2088522-A-C. GRCh37 (hg19) VCF-style: chr16-2138523-A-C.
Other names: c.5135A>C, p.Gln1712Pro (NM_001077183.3); c.5267A>C, p.Gln1756Pro (NM_001114382.3); c.5027A>C, p.Gln1676Pro (NM_001318827.2); c.4991A>C, p.Gln1664Pro (NM_001318829.2); c.4604A>C, p.Gln1535Pro (NM_001318831.2); c.5168A>C, p.Gln1723Pro (NM_001318832.2); c.5138A>C, p.Gln1713Pro (NM_001363528.2); c.5204A>C, p.Gln1735Pro (NM_001370404.1); and 27 more; short protein forms Q1288P, Q1512P, Q1663P, Q1675P, Q1713P, Q1723P, Q1736P, Q1287P.
Identifiers: ClinVar variation 3974645 (VCV003974645.1).

ClinVar aggregate classification (germline): Uncertain significance (1 of 4 stars; one submission).

Conditions:
Hereditary cancer-predisposing syndrome. Also called: Tumor predisposition; Hereditary neoplastic syndrome; Hereditary Cancer Syndrome; Neoplastic Syndromes, Hereditary. Identifiers: Orphanet 140162, MedGen C0027672, MeSH D009386, MONDO:0015356.

Submission:

Ambry Genetics
Classification: Uncertain significance for Hereditary cancer-predisposing syndrome. Last evaluated: 2025-04-04. Review status: criteria provided, single submitter. Criteria: Ambry Variant Classification Scheme 2023. Collection method: clinical testing. Allele origin: germline.
Comment: The p.Q1779P variant (also known as c.5336A>C), located in coding exon 41 of the TSC2 gene, results from an A to C substitution at nucleotide position 5336. The glutamine at codon 1779 is replaced by proline, an amino acid with similar properties. This amino acid position is conserved. In addition, the in silico prediction for this alteration is inconclusive. Based on the available evidence, the clinical significance of this variant remains unclear.